The following is an entry in ClinVar:

ClinVar aggregate classification (germline): Likely benign. Review status: criteria provided, single submitter (1 of 4 stars). 2 submissions from 2 submitters: Likely benign (1). 1 of the submissions does not count toward it. Last evaluated 2024-03-07.

Conditions:
CHD4-related disorder. Also called: CHD4-related condition.

Allele frequency attached by ClinVar (database versions not stated): ExAC 0.00004; gnomAD exomes 0.00004; ESP Exome Variant Server 0.00008; 1000 Genomes Project 30x 0.00016; gnomAD 0.00018 and 0.00019; 1000 Genomes Project 0.00020; TOPMed 0.00023.
gnomAD v4.1: 52 of 1,570,878 alleles (0.0033%); highest among the groups gnomAD compares: African/African-American, 0.06%; no homozygotes.

Submissions (2):

Labcorp Genetics (formerly Invitae), Labcorp
Classification: Likely benign. Last evaluated: 2024-03-07. Review status: criteria provided, single submitter. Criteria: Invitae Variant Classification Sherloc (09022015). Collection method: clinical testing. Allele origin: germline.

PreventionGenetics, part of Exact Sciences
Classification: Likely benign for CHD4-related condition. Last evaluated: 2024-05-11. Review status: no assertion criteria provided. Collection method: clinical testing. Allele origin: germline. Not counted in ClinVar's aggregate classification.
Comment: This variant is classified as likely benign based on ACMG/AMP sequence variant interpretation guidelines (Richards et al. 2015 PMID: 25741868, with internal and published modifications).

NM_001273.5(CHD4):c.39G>A (p.Ala13=)

Gene: CHD4 (chromodomain helicase DNA binding protein 4; minus strand). Cytogenetic location: 12p13.31.
Variant type: single nucleotide variant.
Coding change: c.39G>A on transcript NM_001273.5 (MANE Select); coding-DNA position 39, G replaced by A.
Protein change: p.Ala13=; no amino-acid change (alanine 13 retained).
Molecular consequence: synonymous variant.
Genome position (GRCh38, 1-based): chr12:6,606,335, C>T on the plus strand (G>A on the coding strand, the complement: CHD4 is on the minus strand). VCF-style: chr12-6606335-C-T. GRCh37 (hg19) VCF-style: chr12-6715501-C-T.
Other names: c.39G>A (NM_001273.3); c.39G>A, p.Ala13= (NM_001297553.2, NM_001363606.2).
Identifiers: ClinVar variation 1494762 (VCV001494762.9), dbSNP rs375945240, ClinGen allele CA6412671.
Genomic context (GRCh38, chr12:6,606,335, plus strand): 5'-TGGGTGGGGTGGGGGCAGGCTGTTGTTCAAAAGTGCATCCATATCCTCCTCCTCACTGCC[C>T]GCCGAGCAGGGGGACGGGGAGCCCAGGCCCGACGCCATCCCCTTCCGCTCCCGGCCAGGG-3'
Protein context (NP_001264.2, residues 3-23): SGLGSPSPCS[Ala13=]GSEEEDMDAL